The following is an entry in ClinVar:

ClinVar aggregate classification (germline): Conflicting classifications of pathogenicity. Review status: criteria provided, conflicting classifications (1 of 4 stars). 2 submissions from 2 submitters: Uncertain significance (1); Likely benign (1). Last evaluated 2026-04-14.

Conditions:
Intellectual developmental disorder, X-linked 63. Also called: MENTAL RETARDATION, X-LINKED 68; Intellectual disability, X-linked 63. Identifiers: Orphanet 777, MedGen C1845672, MONDO:0010313, OMIM 300387.

gnomAD v4.1: 2 of 1,204,482 alleles (0.00017%); highest among the groups gnomAD compares: Non-Finnish European, 0.00022%; no homozygotes.

Submissions (2):

Centre for Medical Genetics,  Mumbai
Classification: Likely benign for Intellectual developmental disorder, X-linked 63. Last evaluated: 2026-04-14. Review status: criteria provided, single submitter. Criteria: ACMG Guidelines, 2015. Collection method: provider interpretation. Allele origin: germline. Inheritance: X-linked dominant inheritance. Affected: no. Observed: 1 variant allele, 1 homozygote.
Comment: The variant satisfies PM2 criteria - extremely low frequency in gnomAD population databases. However, the variant satisfies BS2 criteria - present in homozygous state in an individual that clinically does not have intellectual developmental disorder.

GeneDx
Classification: Uncertain significance. Last evaluated: 2025-04-01. Review status: criteria provided, single submitter. Criteria: GeneDx Variant Classification Process June 2021. Collection method: clinical testing. Allele origin: germline. Affected: yes.
Comment: Not observed at significant frequency in large population cohorts (gnomAD); In silico analysis supports that this missense variant has a deleterious effect on protein structure/function; Has not been previously published as pathogenic or benign to our knowledge

Literature cited by the submitters: PubMed 10854107 (cited by Centre for Medical Genetics,  Mumbai).

NM_001318510.2(ACSL4):c.989T>C (p.Met330Thr)

Gene: ACSL4 (acyl-CoA synthetase long chain family member 4; minus strand). Cytogenetic location: Xq23.
Variant type: single nucleotide variant.
Coding change: c.989T>C on transcript NM_001318510.2 (MANE Select); coding-DNA position 989, T replaced by C.
Protein change: p.Met330Thr; replaces methionine 330 with threonine.
Molecular consequence: missense variant.
Genome position (GRCh38, 1-based): chrX:109,674,415, A>G on the plus strand (T>C on the coding strand, the complement: ACSL4 is on the minus strand). VCF-style: chrX-109674415-A-G. GRCh37 (hg19) VCF-style: chrX-108917644-A-G.
Other names: c.1112T>C, p.Met371Thr (NM_001318509.2, NM_001437245.1, NM_001437247.1 and 2 more transcripts); c.989T>C, p.Met330Thr (NM_001437250.1, NM_001437251.1, NM_001437252.1 and 2 more transcripts); short protein forms M330T, M371T.
Identifiers: ClinVar variation 4278582 (VCV004278582.2).